The following is an entry in ClinVar:

NM_022089.4(ATP13A2):c.226C>T (p.Arg76Trp)

Gene: ATP13A2 (ATPase cation transporting 13A2; minus strand). Cytogenetic location: 1p36.13.
Variant type: single nucleotide variant.
Coding change: c.226C>T on transcript NM_022089.4 (MANE Select); coding-DNA position 226, C replaced by T.
Protein change: p.Arg76Trp; replaces arginine 76 with tryptophan.
Molecular consequence: missense variant.
Genome position (GRCh38, 1-based): chr1:17,005,436, G>A on the plus strand (C>T on the coding strand, the complement: ATP13A2 is on the minus strand). VCF-style: chr1-17005436-G-A. GRCh37 (hg19) VCF-style: chr1-17331931-G-A.
Other names: c.226C>T, p.Arg76Trp (NM_001141973.3, NM_001141974.3); short protein forms R76W.
Identifiers: ClinVar variation 1403237 (VCV001403237.4), dbSNP rs751715295, ClinGen allele CA637726.
Genomic context (GRCh38, chr1:17,005,436, plus strand): 5'-CTTTGTCTCTTATTTCGATAACGAGTGTTTCGGCGTGGGCCAGGTTGCAGGGCCGGAGCC[G>A]CAGCCGCACCCCCCACAGGGGCTTCCAACGGAAGAGCAGCAAAGGGATCCCAGCCATCAT-3'
Protein context (NP_071372.1, residues 66-86): RWKPLWGVRL[Arg76Trp]LRPCNLAHAE

ClinVar aggregate classification (germline): Uncertain significance (1 of 4 stars; one submission).

Conditions:
Kufor-Rakeb syndrome (KRS). Also called: PARKINSON DISEASE 9, AUTOSOMAL RECESSIVE, JUVENILE-ONSET. Identifiers: Orphanet 306674, Orphanet 314632, MedGen C1847640, MONDO:0011706, OMIM 606693.
Autosomal recessive spastic paraplegia type 78. Identifiers: Orphanet 513436, MedGen C5567893, MONDO:0014975, OMIM 617225.

Allele frequency attached by ClinVar (database versions not stated): gnomAD 0.00001; TOPMed 0.00001; gnomAD exomes 0.00002.

Submission:

Labcorp Genetics (formerly Invitae), Labcorp
Classification: Uncertain significance for Kufor-Rakeb syndrome; Autosomal recessive spastic paraplegia type 78. Last evaluated: 2022-07-21. Review status: criteria provided, single submitter. Criteria: Invitae Variant Classification Sherloc (09022015). Collection method: clinical testing. Allele origin: germline.
Comment: This sequence change replaces arginine, which is basic and polar, with tryptophan, which is neutral and slightly polar, at codon 76 of the ATP13A2 protein (p.Arg76Trp). In summary, the available evidence is currently insufficient to determine the role of this variant in disease. Therefore, it has been classified as a Variant of Uncertain Significance. Advanced modeling of protein sequence and biophysical properties (such as structural, functional, and spatial information, amino acid conservation, physicochemical variation, residue mobility, and thermodynamic stability) performed at Invitae indicates that this missense variant is not expected to disrupt ATP13A2 protein function. ClinVar contains an entry for this variant (Variation ID: 1403237). This variant has not been reported in the literature in individuals affected with ATP13A2-related conditions. This variant is present in population databases (rs751715295, gnomAD 0.006%).